The following is an entry in ClinVar:

NM_000238.4(KCNH2):c.2254C>T (p.Arg752Trp)

Gene: KCNH2 (potassium voltage-gated channel subfamily H member 2; minus strand). Cytogenetic location: 7q36.1.
Variant type: single nucleotide variant.
Coding change: c.2254C>T on transcript NM_000238.4 (MANE Select); coding-DNA position 2254, C replaced by T.
Protein change: p.Arg752Trp; replaces arginine 752 with tryptophan.
Molecular consequence: missense variant.
Genome position (GRCh38, 1-based): chr7:150,950,312, G>A on the plus strand (C>T on the coding strand, the complement: KCNH2 is on the minus strand). VCF-style: chr7-150950312-G-A. GRCh37 (hg19) VCF-style: chr7-150647400-G-A.
Other names: p.R752W:CGG>TGG; c.2254C>T (LRG_288t1); c.1234C>T, p.Arg412Trp (NM_001204798.2, NM_172057.3); c.1966C>T, p.Arg656Trp (NM_001406753.1, NM_001406756.1); c.2077C>T, p.Arg693Trp (NM_001406755.1); c.1954C>T, p.Arg652Trp (NM_001406757.1); c.2254C>T, p.Arg752Trp (NM_172056.3); short protein forms R412W, R752W, R652W, R656W, R693W.
Identifiers: ClinVar variation 67379 (VCV000067379.35), dbSNP rs199472990, ClinGen allele CA006383.

ClinVar aggregate classification (germline): Pathogenic/Likely pathogenic. Review status: criteria provided, multiple submitters, no conflicts (2 of 4 stars). 12 submissions from 12 submitters: Pathogenic (10); Likely pathogenic (1). 1 of the submissions does not count toward it. Last evaluated 2025-10-07.

Conditions:
Cardiovascular phenotype. Identifiers: MedGen CN230736.
Cardiac arrhythmia. Also called: Arrhythmia; Cardiac rhythm disease. Identifiers: MedGen C0003811, MONDO:0007263, HP:0011675.
Familial long QT syndrome (RWS). Also called: Congenital long QT syndrome; Romano-Ward syndrome; VENTRICULAR FIBRILLATION WITH PROLONGED QT INTERVAL. Identifiers: Orphanet 768, MedGen C1141890, MONDO:0019171.
Long QT syndrome (LQTS). Identifiers: MedGen C0023976, MeSH D008133, MONDO:0002442. Disease mechanism: loss of function. Inheritance: Various modes of inheritance.
Long QT syndrome 2 (LQT2). Identifiers: Orphanet 101016, Orphanet 768, MedGen C3150943, MONDO:0013367, OMIM 613688.

Allele frequency attached by ClinVar (database versions not stated): gnomAD exomes below 0.00001; TOPMed 0.00001; gnomAD 0.00001.
gnomAD v4.1: 4 of 1,613,678 alleles (0.00025%); highest among the groups gnomAD compares: Admixed American, 0.0017%; no homozygotes.

Submissions 1 to 8 of 12:

Labcorp Genetics (formerly Invitae), Labcorp
Classification: Pathogenic for Long QT syndrome. Last evaluated: 2025-10-07. Review status: criteria provided, single submitter. Criteria: Invitae Variant Classification Sherloc (09022015). Collection method: clinical testing. Allele origin: germline.
Comment: This sequence change replaces arginine, which is basic and polar, with tryptophan, which is neutral and slightly polar, at codon 752 of the KCNH2 protein (p.Arg752Trp). This variant is not present in population databases (gnomAD no frequency). This missense change has been observed in individuals with long QT syndrome (PMID: 10973849, 11009462, 18441445). It has also been observed to segregate with disease in related individuals. ClinVar contains an entry for this variant (Variation ID: 67379). An algorithm developed to predict the effect of missense changes on protein structure and function (PolyPhen-2) suggests that this variant is likely to be disruptive. Experimental studies have shown that this missense change affects KCNH2 function (PMID: 11009462, 16432067, 23303164). This variant disrupts the p.Arg752 amino acid residue in KCNH2. Other variant(s) that disrupt this residue have been determined to be pathogenic (PMID: 12621127, 25417810). This suggests that this residue is clinically significant, and that variants that disrupt this residue are likely to be disease-causing. For these reasons, this variant has been classified as Pathogenic.

Ambry Genetics
Classification: Pathogenic for Cardiovascular phenotype. Last evaluated: 2025-08-14. Review status: criteria provided, single submitter. Criteria: Ambry Variant Classification Scheme 2023. Collection method: clinical testing. Allele origin: germline.
Comment: The p.R752W pathogenic mutation (also known as c.2254C>T), located in coding exon 9 of the KCNH2 gene, results from a C to T substitution at nucleotide position 2254. The arginine at codon 752 is replaced by tryptophan, an amino acid with dissimilar properties. This alteration has been reported in several individuals with long QT syndrome (LQTS) (Splawski I et al. Circulation. 2000;102:1178-85; Ficker E et al. Am J Physiol Heart Circ Physiol. 2000;279:H1748-56; Nagaoka I et al. Circ J. 2008;72:694-9; Stattin EL et al. BMC Cardiovasc Disord. 2012;12:95). In addition, this alteration has been shown to impact protein function through trafficking deficiency (Ficker E et al. Am J Physiol Heart Circ Physiol. 2000;279:H1748-56; Anderson CL et al. Circulation. 2006;113:365-73). This alteration is considered to be rare based on population cohorts in the Genome Aggregation Database (gnomAD). In addition, another alteration affecting this amino acid (p.R752Q, c.2255G>A) has also been reported in association with LQTS (Johnson WH et al. Pediatr Res. 2003 ;53(5):744-8). Based on the supporting evidence, this alteration is interpreted as a disease-causing mutation.

KardioGenetik, Herz- und Diabeteszentrum NRW
Classification: Pathogenic for Long QT syndrome 2. Last evaluated: 2025-06-25. Review status: criteria provided, single submitter. Criteria: ACMG Guidelines, 2015. Collection method: clinical testing. Allele origin: unknown. Affected: yes. Observed: 1 variant allele.
Comment: The variant has been reported in the literature in multiple individuals affected with Long QT Syndrome and has not been identified in the general population by the Genome Aggregation Database (gnomAD). The amino acid substitution Arg752Trp is predicted to be clearly "damaging" by the REVEL meta-prediction algorithm. In vitro functional studies provide evidence that the p.Arg752Trp variant may impact protein function by causing decreased trafficking to the cell membrane due to its retention in the endoplasmic reticulum.

Department of Human Genetics, Hannover Medical School
Classification: Likely pathogenic for Long QT syndrome 2. Last evaluated: 2024-05-22. Review status: criteria provided, single submitter. Criteria: ACMG Guidelines, 2015. Collection method: clinical testing. Allele origin: germline. Affected: yes.

All of Us Research Program, National Institutes of Health
Classification: Pathogenic for Long QT syndrome. Last evaluated: 2024-03-14. Review status: criteria provided, single submitter. Criteria: ACMG Guidelines, 2015. Collection method: clinical testing. Allele origin: germline. Inheritance: Autosomal dominant inheritance. Observed: 1 variant allele, 1 heterozygote.
Comment: This missense variant replaces arginine with tryptophan at codon 752 of the KCNH2 protein. This variant is found within the highly conserved cyclic nucleotide binding region (a.a. 742-842). Rare non-truncating variants in this region have been shown to be significantly overrepresented in individuals with long QT syndrome (PMID: 32893267). Functional studies have shown that the mutant protein exhibits a severe defect in protein trafficking to the cell surface and very low surface expression compared to the wild type, resulting in the lack of normal potassium channel activity (PMID: 11009462, 16432067, 31557540). Additionally, the mutant protein failed to repolarize in the kcnh2-knockdown embryonic zebra fish (PMID: 23303164). This variant has been reported in at least 7 unrelated individuals affected with long QT syndrome families (PMID: 10973849, 1100946, 11854117, 18441445, 32893267, 33029862). In one of the families, the variant has been identified in 17 individuals affected with long QT syndrome and 6 individuals affected with syncope (PMID: 11009462). This variant has not been identified in the general population by the Genome Aggregation Database (gnomAD). Based on the available evidence, this variant is classified as Pathogenic.

This study involves interpretation of variants in research participants for the purpose of population health screening. Participant phenotype was not available at the time of variant classification. Additional details can be found in publication PMID: 35346344, PMCID: PMC8962531

Color Diagnostics, LLC DBA Color Health
Classification: Pathogenic for Cardiac arrhythmia. Last evaluated: 2023-11-27. Review status: criteria provided, single submitter. Criteria: ACMG Guidelines, 2015. Collection method: clinical testing. Allele origin: germline.
Comment: This missense variant replaces arginine with tryptophan at codon 752 of the KCNH2 protein. This variant is found within the highly conserved cyclic nucleotide binding region (a.a. 742-842). Rare non-truncating variants in this region have been shown to be significantly overrepresented in individuals with long QT syndrome (PMID: 32893267). Functional studies have shown that the mutant protein exhibits a severe defect in protein trafficking to the cell surface and very low surface expression compared to the wild type, resulting in the lack of normal potassium channel activity (PMID: 11009462, 16432067, 31557540). Additionally, the mutant protein failed to repolarize in the kcnh2-knockdown embryonic zebra fish (PMID: 23303164). This variant has been reported in at least 7 unrelated individuals affected with long QT syndrome families (PMID: 10973849, 1100946, 11854117, 18441445, 32893267, 33029862). In one of the families, the variant has been identified in 17 individuals affected with long QT syndrome and 6 individuals affected with syncope (PMID: 11009462). This variant has not been identified in the general population by the Genome Aggregation Database (gnomAD). Based on the available evidence, this variant is classified as Pathogenic.

GeneDx
Classification: Pathogenic. Last evaluated: 2021-11-17. Review status: criteria provided, single submitter. Criteria: GeneDx Variant Classification Process June 2021. Collection method: clinical testing. Allele origin: germline. Affected: yes.
Comment: Reported in association with LQTS in patients referred for genetic testing at GeneDx and in published literature (Splawski et al., 2000; Ficker et al., 2000; Anderson et al., 2006; Nagaoka et al., 2008); Not observed at significant frequency in large population cohorts (gnomAD); In silico analysis, which includes protein predictors and evolutionary conservation, supports a deleterious effect; Published functional studies demonstrate a damaging effect on protein trafficking (Ficker et al., 2000; Anderson et al., 2006; Jou et al., 2013); This variant is associated with the following publications: (PMID: 26669661, 11009462, 16432067, 23303164, 27025590, 10973849, 11854117, 18441445, 28607619, 29431731, 26958806, 23098067, 29875689, 30291343, 31447099, 31557540, 34319147, 26582918)

Mayo Clinic Laboratories, Mayo Clinic
Classification: Pathogenic. Last evaluated: 2021-04-30. Review status: criteria provided, single submitter. Criteria: ACMG Guidelines, 2015. Collection method: clinical testing. Allele origin: germline.
Comment: PS3, PP1_Strong, PM2_supporting, PP3